The following is an entry in ClinVar:

NM_000057.4(BLM):c.670C>A (p.Gln224Lys)

Gene: BLM (BLM RecQ like helicase; plus strand). Cytogenetic location: 15q26.1.
Variant type: single nucleotide variant.
Coding change: c.670C>A on transcript NM_000057.4 (MANE Select); coding-DNA position 670, C replaced by A.
Protein change: p.Gln224Lys; replaces glutamine 224 with lysine.
Molecular consequence: missense variant. On other transcripts: 5 prime UTR variant (1).
Genome position (GRCh38, 1-based): chr15:90,749,938, C>A. VCF-style: chr15-90749938-C-A. GRCh37 (hg19) VCF-style: chr15-91293168-C-A.
Other names: c.670C>A, p.Gln224Lys (NM_001287246.2, NM_001287247.2); c.-622C>A (NM_001287248.2); short protein forms Q224K.
Identifiers: ClinVar variation 3991650 (VCV003991650.1).

ClinVar aggregate classification (germline): Uncertain significance (1 of 4 stars; one submission).

Conditions:
Hereditary cancer-predisposing syndrome. Also called: Tumor predisposition; Hereditary neoplastic syndrome; Neoplastic Syndromes, Hereditary; Hereditary Cancer Syndrome. Identifiers: Orphanet 140162, MedGen C0027672, MeSH D009386, MONDO:0015356.

Submission:

Ambry Genetics
Classification: Uncertain significance for Hereditary cancer-predisposing syndrome. Last evaluated: 2025-04-19. Review status: criteria provided, single submitter. Criteria: Ambry Variant Classification Scheme 2023. Collection method: clinical testing. Allele origin: germline.
Comment: The p.Q224K variant (also known as c.670C>A), located in coding exon 2 of the BLM gene, results from a C to A substitution at nucleotide position 670. The glutamine at codon 224 is replaced by lysine, an amino acid with similar properties. This amino acid position is conserved. In addition, this alteration is predicted to be tolerated by in silico analysis. Based on the available evidence, the clinical significance of this variant remains unclear.